The following is an entry in ClinVar:

ClinVar aggregate classification (germline): Uncertain significance (1 of 4 stars; one submission).

Conditions:
Sulfite oxidase deficiency. Also called: Isolated sulfite oxidase deficiency. Identifiers: Orphanet 833, Orphanet 99731, MedGen C0268624, MONDO:0010089, OMIM 272300, HP:0003643.

Submission:

Ozbek Human Genetics Laboratory, Izmir Biomedicine and Genome Center
Classification: Uncertain significance for Sulfite oxidase deficiency. Last evaluated: 2025-08-12. Review status: criteria provided, single submitter. Criteria: ACMG Guidelines, 2015. Collection method: research. Allele origin: unknown. Affected: yes. Observed: 1 variant allele, 1 homozygote.
Comment: A homozygous c.326T>C missense variant was detected in exon 5 of the SUOX gene (NM_001032386.2). This variant is very rarely observed in population databases (PM2). In silico algorithms (AlphaMissense, Revel) predict this variant has a damaging effect at the protein level (PP3). Based on this information, this variant is classified as a Variant of Uncertain Significance (VUS) according to ACMG criteria. The SUOX gene is associated with "Sulfite oxidase deficiency, autosomal recessive (MIM: 272300)" syndrome in the OMIM database. Data obtained via the RAREBOOST project (Horizon 2020 ERA Chairs at Izmir Biomedicine and Genome Center - IBG)

NM_001032386.2(SUOX):c.326T>C (p.Phe109Ser)

Gene: SUOX (sulfite oxidase; plus strand). Cytogenetic location: 12q13.2.
Variant type: single nucleotide variant.
Coding change: c.326T>C on transcript NM_001032386.2 (MANE Select); coding-DNA position 326, T replaced by C.
Protein change: p.Phe109Ser; replaces phenylalanine 109 with serine.
Molecular consequence: missense variant.
Genome position (GRCh38, 1-based): chr12:56,003,715, T>C. VCF-style: chr12-56003715-T-C. GRCh37 (hg19) VCF-style: chr12-56397499-T-C.
Other names: c.326T>C, p.Phe109Ser (NM_000456.3, NM_001032387.2); short protein forms F109S.
Identifiers: ClinVar variation 4856634 (VCV004856634.1).
Genomic context (GRCh38, chr12:56,003,715, plus strand): 5'-AAGTGAGTTCCCACACCAGCCCTGAGACTGGGATCTGGGTGACTCTGGGCTCTGAGGTCT[T>C]TGATGTCACAGAATTTGTGGACCTACATCCAGGGGGGCCTTCAAAGCTGATGCTAGCAGC-3'
Protein context (NP_001027558.1, residues 99-119): GIWVTLGSEV[Phe109Ser]DVTEFVDLHP